The following is an entry in ClinVar:

ClinVar aggregate classification (germline): Uncertain significance (1 of 4 stars; one submission).

Conditions:
Leukocyte adhesion deficiency 3. Also called: Leukocyte adhesion deficiency, type III; INTEGRIN ACTIVATION DEFICIENCY DISEASE; LEUKOCYTE ADHESION DEFICIENCY 1 VARIANT. Identifiers: Orphanet 2968, Orphanet 99844, MedGen C2748536, MONDO:0013016, OMIM 612840.

Allele frequency attached by ClinVar (database versions not stated): TOPMed 0.00002.

Submission:

Labcorp Genetics (formerly Invitae), Labcorp
Classification: Uncertain significance for Leukocyte adhesion deficiency 3. Last evaluated: 2021-10-22. Review status: criteria provided, single submitter. Criteria: Invitae Variant Classification Sherloc (09022015). Collection method: clinical testing. Allele origin: germline.
Comment: This sequence change replaces asparagine with serine at codon 572 of the FERMT3 protein (p.Asn572Ser). The asparagine residue is highly conserved and there is a small physicochemical difference between asparagine and serine. This variant is not present in population databases (ExAC no frequency). This variant has not been reported in the literature in individuals affected with FERMT3-related conditions. Algorithms developed to predict the effect of missense changes on protein structure and function are either unavailable or do not agree on the potential impact of this missense change (SIFT: "Deleterious"; PolyPhen-2: "Probably Damaging"; Align-GVGD: "Class C0"). Algorithms developed to predict the effect of sequence changes on RNA splicing suggest that this variant may create or strengthen a splice site. In summary, the available evidence is currently insufficient to determine the role of this variant in disease. Therefore, it has been classified as a Variant of Uncertain Significance.

NM_031471.6(FERMT3):c.1715A>G (p.Asn572Ser)

Gene: FERMT3 (FERM domain containing kindlin 3; plus strand). Cytogenetic location: 11q13.1.
Variant type: single nucleotide variant.
Coding change: c.1715A>G on transcript NM_031471.6 (MANE Select); coding-DNA position 1715, A replaced by G.
Protein change: p.Asn572Ser; replaces asparagine 572 with serine.
Molecular consequence: missense variant.
Genome position (GRCh38, 1-based): chr11:64,223,092, A>G. VCF-style: chr11-64223092-A-G. GRCh37 (hg19) VCF-style: chr11-63990564-A-G.
Other names: c.1715A>G, p.Asn572Ser (NM_001382361.1, NM_001382448.1); c.1727A>G, p.Asn576Ser (NM_001382362.1, NM_178443.3); c.1175A>G, p.Asn392Ser (NM_001382363.1); c.1187A>G, p.Asn396Ser (NM_001382364.1); short protein forms N572S, N576S, N392S, N396S.
Identifiers: ClinVar variation 1444227 (VCV001444227.6), dbSNP rs867920578, ClinGen allele CA223847986.
Genomic context (GRCh38, chr11:64,223,092, plus strand): 5'-TCTCCCTGGGGGCCAGGTTCAAGGGCAGCAGGAAAGACGAGATCCTGGGCATCGCCAACA[A>G]CCGACTGATCCGCATCGACTTGGCCGTGGGCGACGTGGTCAAGACCTGGCGTTTCAGCAA-3'
Protein context (NP_113659.3, residues 562-582): RKDEILGIAN[Asn572Ser]RLIRIDLAVG